The following is an entry in ClinVar:

ClinVar aggregate classification (germline): Uncertain significance (1 of 4 stars; one submission).

Conditions:
Hereditary cancer-predisposing syndrome. Also called: Hereditary neoplastic syndrome; Neoplastic Syndromes, Hereditary; Tumor predisposition; Hereditary Cancer Syndrome. Identifiers: Orphanet 140162, MedGen C0027672, MeSH D009386, MONDO:0015356.

Submission:

Ambry Genetics
Classification: Uncertain significance for Hereditary cancer-predisposing syndrome. Last evaluated: 2024-07-08. Review status: criteria provided, single submitter. Criteria: Ambry Variant Classification Scheme 2023. Collection method: clinical testing. Allele origin: germline.
Comment: The p.M2107V variant (also known as c.6319A>G), located in coding exon 42 of the ATM gene, results from an A to G substitution at nucleotide position 6319. The methionine at codon 2107 is replaced by valine, an amino acid with highly similar properties. This amino acid position is well conserved in available vertebrate species. In addition, the in silico prediction for this alteration is inconclusive. Based on the available evidence, the clinical significance of this variant remains unclear.

NM_000051.4(ATM):c.6319A>G (p.Met2107Val)

Genes: ATM (ATM serine/threonine kinase; plus strand), C11orf65 (chromosome 11 open reading frame 65; minus strand). Cytogenetic location: 11q22.3.
Variant type: single nucleotide variant.
Coding change: c.6319A>G on transcript NM_000051.4 (MANE Select); coding-DNA position 6319, A replaced by G.
Protein change: p.Met2107Val; replaces methionine 2107 with valine.
Molecular consequence: missense variant. On other transcripts: intron variant (2).
Genome position (GRCh38, 1-based): chr11:108,317,493, A>G. VCF-style: chr11-108317493-A-G. GRCh37 (hg19) VCF-style: chr11-108188220-A-G.
Other names: c.6319A>G, p.Met2107Val (NM_001351834.2); c.641-8422T>C (NM_001330368.2); c.*39-8422T>C (NM_001351110.2); short protein forms M2107V.
Identifiers: ClinVar variation 1752819 (VCV001752819.3), dbSNP rs2136169155, ClinGen allele CA382552200.